The following is an entry in ClinVar:

NM_001142864.4(PIEZO1):c.5820G>A (p.Arg1940=)

Gene: PIEZO1 (piezo type mechanosensitive ion channel component 1 (Er blood group); minus strand). Cytogenetic location: 16q24.3.
Variant type: single nucleotide variant.
Coding change: c.5820G>A on transcript NM_001142864.4 (MANE Select); coding-DNA position 5820, G replaced by A.
Protein change: p.Arg1940=; no amino-acid change (arginine 1940 retained).
Molecular consequence: synonymous variant.
Genome position (GRCh38, 1-based): chr16:88,720,514, C>T on the plus strand (G>A on the coding strand, the complement: PIEZO1 is on the minus strand). VCF-style: chr16-88720514-C-T. GRCh37 (hg19) VCF-style: chr16-88786922-C-T.
Other names: c.4362G>A, p.Arg1454= (NM_014745.1).
Identifiers: ClinVar variation 2498676 (VCV002498676.28), dbSNP rs1912357461, ClinGen allele CA497365158.
Genomic context (GRCh38, chr16:88,720,514, plus strand): 5'-GACGTCGGTGGCTGCGCGGTACTTGGTGTGCAGGATGTCGTGGAAGAAGCGCCGTAGCGG[C>T]CGATATGTGCCCTGGGCCCTGCGGAAGGGGGCGCTCAGCCTGGGCCCAGTACCCGCCTCC-3'
Protein context (NP_001136336.2, residues 1930-1950): FCLSLAQGTY[Arg1940=]PLRRFFHDIL

ClinVar aggregate classification (germline): Uncertain significance (1 of 4 stars; one submission).

Allele frequency attached by ClinVar (database versions not stated): gnomAD exomes below 0.00001; gnomAD 0.00001; TOPMed 0.00001.
gnomAD v4.1: 2 of 1,550,030 alleles (0.00013%); highest among the groups gnomAD compares: African/African-American, 0.0014%; no homozygotes.

Submission:

CeGaT Center for Human Genetics Tuebingen
Classification: Uncertain significance. Last evaluated: 2023-03-01. Review status: criteria provided, single submitter. Criteria: CeGaT Center For Human Genetics Tuebingen Variant Classification Criteria Version 2. Collection method: clinical testing. Allele origin: germline. Affected: yes. Observed: 1 variant allele.
Comment: PIEZO1: PM2, BP4, BP7